The following is an entry in ClinVar:

NM_000158.4(GBE1):c.785G>A (p.Arg262His)

Gene: GBE1 (1,4-alpha-glucan branching enzyme 1; minus strand). Cytogenetic location: 3p12.2.
Variant type: single nucleotide variant.
Coding change: c.785G>A on transcript NM_000158.4 (MANE Select); coding-DNA position 785, G replaced by A.
Protein change: p.Arg262His; replaces arginine 262 with histidine.
Molecular consequence: missense variant.
Genome position (GRCh38, 1-based): chr3:81,642,988, C>T on the plus strand (G>A on the coding strand, the complement: GBE1 is on the minus strand). VCF-style: chr3-81642988-C-T. GRCh37 (hg19) VCF-style: chr3-81692139-C-T.
Other names: NM_000158.4(GBE1):c.785G>A; p.Arg262His; short protein forms R262H.
Identifiers: ClinVar variation 437422 (VCV000437422.18), dbSNP rs369574719, ClinGen allele CA2499857.

ClinVar aggregate classification (germline): Conflicting classifications of pathogenicity. Review status: criteria provided, conflicting classifications (1 of 4 stars). 12 submissions from 12 submitters: Pathogenic (1); Likely pathogenic (7); Uncertain significance (3). 1 of the submissions does not count toward it. Last evaluated 2025-09-30.

Conditions:
Adult polyglucosan body disease (APBN). Also called: GBE1-Adult Polyglucosan Body Disease; POLYGLUCOSAN BODY DISEASE, ADULT FORM. Identifiers: Orphanet 206583, MedGen C1849722, MONDO:0009897, OMIM 263570.
Glycogen storage disease, type IV (GSD4). Also called: GBE1 DEFICIENCY; GLYCOGEN BRANCHING ENZYME DEFICIENCY; GLYCOGENOSIS IV; GSD IV; AMYLOPECTINOSIS; ANDERSEN DISEASE. Identifiers: Orphanet 367, MedGen C0017923, MONDO:0009292, OMIM 232500.
Glycogen storage disease IV, classic hepatic. Also called: GSD IV, CLASSIC HEPATIC. Identifiers: MedGen C1856301.

Allele frequency attached by ClinVar (database versions not stated): gnomAD exomes 0.00003; ExAC 0.00004; gnomAD 0.00005 and 0.00006; TOPMed 0.00005; ESP Exome Variant Server 0.00008.
gnomAD v4.1: 51 of 1,601,384 alleles (0.0032%); highest among the groups gnomAD compares: Middle Eastern, 0.017%; no homozygotes.

Submissions (12):

Natera, Inc.
Classification: Likely pathogenic for Glycogen storage disease type IV. Last evaluated: 2025-09-30. Review status: criteria provided, single submitter. Criteria: Natera Variant Classification Schema (03/2026). Collection method: clinical testing. Allele origin: germline.
Comment: The c.785G>A variant in GBE1 is a missense variant predicted to cause substitution of arginine to histidine at amino acid 262. This variant is rare in the general population with a frequency below the threshold expected for the associated phenotype(s). This variant has been observed in one or more individuals affected with the associated recessive disease, as either homozygous or compound heterozygous with a second variant (PMID: 33332610, 32153140). Computational prediction algorithms indicate this variant is likely to affect gene or protein function. Given the available evidence, this variant is classified as Likely Pathogenic.

First Genomix Gene Laboratory, Genetic Diagnostics Department
Classification: Likely pathogenic for Glycogen storage disease, type IV; Adult polyglucosan body disease. Last evaluated: 2025-08-28. Review status: criteria provided, single submitter. Criteria: ACMG Guidelines, 2015. Collection method: clinical testing. Allele origin: germline. Inheritance: Autosomal recessive inheritance. Affected: no. Observed: 1 variant allele.

Institute of Human Genetics, University of Leipzig Medical Center
Classification: Likely pathogenic for Adult polyglucosan body disease. Last evaluated: 2025-06-19. Review status: criteria provided, single submitter. Criteria: ACMG Guidelines, 2015. Collection method: clinical testing. Allele origin: unknown. Inheritance: Autosomal recessive inheritance. Affected: yes.
Comment: Criteria applied: PM1,PM3,PM5,PM2_SUP,PP3; comp-het with c.760A>G, p.(Thr254Ala)

Broad Center for Mendelian Genomics, Broad Institute of MIT and Harvard
Classification: Likely pathogenic for Glycogen storage disease, type IV. Last evaluated: 2025-05-05. Review status: criteria provided, single submitter. Criteria: ACMG Guidelines, 2015. Collection method: curation. Allele origin: germline. Inheritance: Autosomal recessive inheritance.
Comment: The p.Arg262His variant in GBE1 has been reported in 2 individuals with glycogen storage disease type IV (GSD IV) (PMID: 33332610, 33820833) and has been identified in 0.01% (8/74606) of African chromosomes by the Genome Aggregation Database (gnomAD; dbSNP ID: rs369574719). Although this variant has been seen in the general population in a heterozygous state, its frequency is low enough to be consistent with a recessive carrier frequency. This variant has also been reported in ClinVar (Variation ID#: 437422) and has been interpreted as likely pathogenic/pathogenic by Nilou-Genome lab, Center of Genomic medicine (Geneva, University Hospital of Geneva), Institute of Medical Genetics and Applied Genomics (University Hospital Tübingen), and Baylor Genetics, and as uncertain significance by GeneDx, Women's Health and Genetics/Laboratory Corporation of America, Labcorp Genetics (formerly Invitae), and Counsyl. Of the two affected individuals, both were compound heterozygotes that carried a reported pathogenic/likely pathogenic variant in trans which increases the likelihood that the p.Arg262His variant is pathogenic (Variation ID: 208584, 2792; PMID: 33332610, 33820833). Computational prediction tools and conservation analyses suggest that this variant may impact the protein, though this information is not predictive enough to determine pathogenicity. In summary, although additional studies are required to fully establish its clinical significance, this variant is likely pathogenic for autosomal recessive GSD IV. ACMG/AMP Criteria applied: PP3_moderate, PM3_strong, PM2_supporting (Richards 2015).

Baylor Genetics
Classification: Likely pathogenic for Glycogen storage disease, type IV. Last evaluated: 2024-03-20. Review status: criteria provided, single submitter. Criteria: ACMG Guidelines, 2015. Collection method: clinical testing. Allele origin: unknown.

Institute of Medical Genetics and Applied Genomics, University Hospital Tübingen
Classification: Likely pathogenic for Adult polyglucosan body disease. Last evaluated: 2024-02-08. Review status: criteria provided, single submitter. Criteria: ACMG Guidelines, 2015. Collection method: clinical testing. Allele origin: germline. Inheritance: Autosomal recessive inheritance. Affected: yes.

Women's Health and Genetics/Laboratory Corporation of America, LabCorp
Classification: Uncertain significance. Last evaluated: 2022-12-09. Review status: criteria provided, single submitter. Criteria: LabCorp Variant Classification Summary - May 2015. Collection method: clinical testing. Allele origin: germline.
Comment: Variant summary: GBE1 c.785G>A (p.Arg262His) results in a non-conservative amino acid change in the encoded protein sequence. Four of four in-silico tools predict a damaging effect of the variant on protein function. 4/4 computational tools predict no significant impact on normal splicing. However, these predictions have yet to be confirmed by functional studies. The variant allele was found at a frequency of 3e-05 in 234522 control chromosomes. The available data on variant occurrences in the general population are insufficient to allow any conclusion about variant significance. To our knowledge, no occurrence of c.785G>A in individuals affected with Glycogen Storage Disease, Type IV and no experimental evidence demonstrating its impact on protein function have been reported. Five clinical diagnostic laboratories have submitted clinical-significance assessments for this variant to ClinVar after 2014 without evidence for independent evaluation. Multiple laboratories reported the variant with conflicting assessments. Based on the evidence outlined above, the variant was classified as uncertain significance.

Labcorp Genetics (formerly Invitae), Labcorp
Classification: Uncertain significance for Glycogen storage disease, type IV; Glycogen storage disease IV, classic hepatic. Last evaluated: 2022-06-10. Review status: criteria provided, single submitter. Criteria: Invitae Variant Classification Sherloc (09022015). Collection method: clinical testing. Allele origin: germline.
Comment: This sequence change replaces arginine, which is basic and polar, with histidine, which is basic and polar, at codon 262 of the GBE1 protein (p.Arg262His). This variant is present in population databases (rs369574719, gnomAD 0.01%). This variant has not been reported in the literature in individuals affected with GBE1-related conditions. ClinVar contains an entry for this variant (Variation ID: 437422). Algorithms developed to predict the effect of missense changes on protein structure and function are either unavailable or do not agree on the potential impact of this missense change (SIFT: "Not Available"; PolyPhen-2: "Probably Damaging"; Align-GVGD: "Not Available"). In summary, the available evidence is currently insufficient to determine the role of this variant in disease. Therefore, it has been classified as a Variant of Uncertain Significance.

Genome-Nilou Lab
Classification: Likely pathogenic for Glycogen storage disease, type IV. Last evaluated: 2021-05-18. Review status: criteria provided, single submitter. Criteria: ACMG Guidelines, 2015. Collection method: clinical testing. Allele origin: germline. Affected: no.

GeneDx
Classification: Uncertain significance. Last evaluated: 2019-05-15. Review status: criteria provided, single submitter. Criteria: GeneDx Variant Classification Process June 2021. Collection method: clinical testing. Allele origin: germline. Affected: yes.
Comment: Not observed at a significant frequency in large population cohorts (Lek et al., 2016); In silico analysis, which includes protein predictors and evolutionary conservation, supports a deleterious effect; Has not been previously published as pathogenic or benign to our knowledge

Center of Genomic medicine, Geneva, University Hospital of Geneva
Classification: Pathogenic for Adult polyglucosan body disease. Last evaluated: 2016-11-15. Review status: criteria provided, single submitter. Criteria: ACMG Guidelines, 2015. Collection method: clinical testing. Allele origin: paternal. Affected: yes.

Counsyl
Classification: Uncertain significance for Glycogen storage disease, type IV. Last evaluated: 2018-05-03. Review status: no assertion criteria provided. Collection method: clinical testing. Allele origin: unknown. Not counted in ClinVar's aggregate classification.

Literature cited by the submitters: PubMed 33332610 (cited by Natera, Inc.); PubMed 32153140 (cited by Natera, Inc.).